The following is an entry in ClinVar:

NM_001384474.1(LOXHD1):c.3061+8G>T

Gene: LOXHD1 (lipoxygenase homology PLAT domains 1; minus strand). Cytogenetic location: 18q21.1.
Variant type: single nucleotide variant.
Coding change: c.3061+8G>T on transcript NM_001384474.1 (MANE Select); 8 bases into the intron after coding-DNA position 3061, G replaced by T.
Molecular consequence: intron variant.
Genome position (GRCh38, 1-based): chr18:46,560,075, C>A on the plus strand (G>T on the coding strand, the complement: LOXHD1 is on the minus strand). VCF-style: chr18-46560075-C-A. GRCh37 (hg19) VCF-style: chr18-44140038-C-A.
Other names: c.3061+8G>T (NM_144612.7).
Identifiers: ClinVar variation 501255 (VCV000501255.19), dbSNP rs764128579, ClinGen allele CA8952576.

ClinVar aggregate classification (germline): Conflicting classifications of pathogenicity. Review status: criteria provided, conflicting classifications (1 of 4 stars). 3 submissions from 3 submitters: Uncertain significance (1); Likely benign (2). Last evaluated 2026-01-28.

Allele frequency attached by ClinVar (database versions not stated): gnomAD exomes 0.00002; gnomAD 0.00003 and 0.00004; TOPMed 0.00005; ExAC 0.00011.
gnomAD v4.1: 105 of 1,539,532 alleles (0.0068%); highest among the groups gnomAD compares: Non-Finnish European, 0.0086%; no homozygotes.

Submissions (3):

Labcorp Genetics (formerly Invitae), Labcorp
Classification: Likely benign. Last evaluated: 2026-01-28. Review status: criteria provided, single submitter. Criteria: Invitae Variant Classification Sherloc (09022015). Collection method: clinical testing. Allele origin: germline.

Eurofins Ntd Llc (ga)
Classification: Uncertain significance. Last evaluated: 2017-04-03. Review status: criteria provided, single submitter. Criteria: EGL Classification Definitions 2015. Collection method: clinical testing. Allele origin: germline. Observed: 1 variant allele, 1 heterozygote.

Laboratory for Molecular Medicine, Mass General Brigham Personalized Medicine
Classification: Likely benign. Last evaluated: 2016-04-25. Review status: criteria provided, single submitter. Criteria: LMM Criteria. Collection method: clinical testing. Allele origin: germline. Observed: 1 variant allele.
Comment: c.3061+8G>T in intron 19 of LOXHD1: This variant is not expected to have clinic al significance because it is not located within the splice consensus sequence. It has been identified in 2/6860 European chromosomes by the Exome Aggregation Consortium (ExAC; dbSNP rs764128579).